The following is an entry in ClinVar:

NM_015466.4(PTPN23):c.4279C>T (p.Arg1427Cys)

Gene: PTPN23 (protein tyrosine phosphatase non-receptor type 23; plus strand). Cytogenetic location: 3p21.31.
Variant type: single nucleotide variant.
Coding change: c.4279C>T on transcript NM_015466.4 (MANE Select); coding-DNA position 4279, C replaced by T.
Protein change: p.Arg1427Cys; replaces arginine 1427 with cysteine.
Molecular consequence: missense variant.
Genome position (GRCh38, 1-based): chr3:47,412,383, C>T. VCF-style: chr3-47412383-C-T. GRCh37 (hg19) VCF-style: chr3-47453873-C-T.
Other names: c.3901C>T, p.Arg1301Cys (NM_001304482.2); short protein forms R1301C, R1427C.
Identifiers: ClinVar variation 1390857 (VCV001390857.8), dbSNP rs758710771, ClinGen allele CA2366535.

ClinVar aggregate classification (germline): Uncertain significance (1 of 4 stars; one submission).

Allele frequency attached by ClinVar (database versions not stated): ExAC 0.00001; gnomAD 0.00001; TOPMed 0.00001; gnomAD exomes 0.00002.

Submission:

Labcorp Genetics (formerly Invitae), Labcorp
Classification: Uncertain significance. Last evaluated: 2025-09-24. Review status: criteria provided, single submitter. Criteria: Invitae Variant Classification Sherloc (09022015). Collection method: clinical testing. Allele origin: germline.
Comment: This sequence change replaces arginine, which is basic and polar, with cysteine, which is neutral and slightly polar, at codon 1427 of the PTPN23 protein (p.Arg1427Cys). This variant is present in population databases (rs758710771, gnomAD 0.009%). This variant has not been reported in the literature in individuals affected with PTPN23-related conditions. ClinVar contains an entry for this variant (Variation ID: 1390857). An algorithm developed to predict the effect of missense changes on protein structure and function (PolyPhen-2) suggests that this variant is likely to be disruptive. In summary, the available evidence is currently insufficient to determine the role of this variant in disease. Therefore, it has been classified as a Variant of Uncertain Significance.